The following is an entry in ClinVar:

NM_006767.4(LZTR1):c.2225T>G (p.Leu742Trp)

Gene: LZTR1 (leucine zipper like post translational regulator 1; plus strand). Cytogenetic location: 22q11.21.
Variant type: single nucleotide variant.
Coding change: c.2225T>G on transcript NM_006767.4 (MANE Select); coding-DNA position 2225, T replaced by G.
Protein change: p.Leu742Trp; replaces leucine 742 with tryptophan.
Molecular consequence: missense variant.
Genome position (GRCh38, 1-based): chr22:20,996,701, T>G. VCF-style: chr22-20996701-T-G. GRCh37 (hg19) VCF-style: chr22-21350990-T-G.
Other names: c.2225T>G (NM_006767.3); short protein forms L742W.
Identifiers: ClinVar variation 2819171 (VCV002819171.4), dbSNP rs2518625612, ClinGen allele CA410780732.

ClinVar aggregate classification (germline): Uncertain significance. Review status: criteria provided, multiple submitters, no conflicts (2 of 4 stars). 2 submissions from 2 submitters: Uncertain significance (2). Last evaluated 2024-11-22.

Conditions:
Cardiovascular phenotype. Identifiers: MedGen CN230736.
Hereditary cancer-predisposing syndrome. Also called: Neoplastic Syndromes, Hereditary; Tumor predisposition; Hereditary Cancer Syndrome; Hereditary neoplastic syndrome. Identifiers: Orphanet 140162, MedGen C0027672, MeSH D009386, MONDO:0015356.

Submissions (2):

Ambry Genetics
Classification: Uncertain significance for Cardiovascular phenotype; Hereditary cancer-predisposing syndrome. Last evaluated: 2024-11-22. Review status: criteria provided, single submitter. Criteria: Ambry Variant Classification Scheme 2023. Collection method: clinical testing. Allele origin: germline.
Comment: The p.L742W variant (also known as c.2225T>G), located in coding exon 19 of the LZTR1 gene, results from a T to G substitution at nucleotide position 2225. The leucine at codon 742 is replaced by tryptophan, an amino acid with similar properties. This amino acid position is conserved. In addition, this alteration is predicted to be deleterious by in silico analysis. Based on the available evidence, the clinical significance of this variant remains unclear.

Labcorp Genetics (formerly Invitae), Labcorp
Classification: Uncertain significance. Last evaluated: 2022-12-07. Review status: criteria provided, single submitter. Criteria: Invitae Variant Classification Sherloc (09022015). Collection method: clinical testing. Allele origin: germline.
Comment: Advanced modeling of protein sequence and biophysical properties (such as structural, functional, and spatial information, amino acid conservation, physicochemical variation, residue mobility, and thermodynamic stability) performed at Invitae indicates that this missense variant is not expected to disrupt LZTR1 protein function. In summary, the available evidence is currently insufficient to determine the role of this variant in disease. Therefore, it has been classified as a Variant of Uncertain Significance. This sequence change replaces leucine, which is neutral and non-polar, with tryptophan, which is neutral and slightly polar, at codon 742 of the LZTR1 protein (p.Leu742Trp). This variant is not present in population databases (gnomAD no frequency). This variant has not been reported in the literature in individuals affected with LZTR1-related conditions.